The following is an entry in ClinVar:

ClinVar aggregate classification (germline): Conflicting classifications of pathogenicity. Review status: criteria provided, conflicting classifications (1 of 4 stars). 2 submissions from 2 submitters: Uncertain significance (1); Likely benign (1). Last evaluated 2024-01-10.

Conditions:
Cardiovascular phenotype. Identifiers: MedGen CN230736.
Long QT syndrome (LQTS). Identifiers: MedGen C0023976, MeSH D008133, MONDO:0002442. Disease mechanism: loss of function. Inheritance: Various modes of inheritance.

Allele frequency attached by ClinVar (database versions not stated): TOPMed below 0.00001; gnomAD 0.00001.
gnomAD v4.1: 2 of 1,570,904 alleles (0.00013%); highest among the groups gnomAD compares: African/African-American, 0.0014%; no homozygotes.

Submissions (2):

Labcorp Genetics (formerly Invitae), Labcorp
Classification: Likely benign for Long QT syndrome. Last evaluated: 2024-01-10. Review status: criteria provided, single submitter. Criteria: Invitae Variant Classification Sherloc (09022015). Collection method: clinical testing. Allele origin: germline.

Ambry Genetics
Classification: Uncertain significance for Cardiovascular phenotype. Last evaluated: 2022-08-25. Review status: criteria provided, single submitter. Criteria: Ambry Variant Classification Scheme 2023. Collection method: clinical testing. Allele origin: germline.
Comment: The c.6946-5A>G intronic variant results from an A to G substitution 5 nucleotides upstream from coding exon 31 in the AKAP9 gene. This nucleotide position is not well conserved in available vertebrate species. In silico splice site analysis predicts that this alteration will not have any significant effect on splicing. The evidence for this gene-disease relationship is limited; therefore, the clinical significance of this alteration is unclear.

NM_005751.5(AKAP9):c.6946-5A>G

Gene: AKAP9 (A-kinase anchoring protein 9; plus strand). Cytogenetic location: 7q21.2.
Variant type: single nucleotide variant.
Coding change: c.6946-5A>G on transcript NM_005751.5 (MANE Select); 5 bases into the intron before coding-DNA position 6946, A replaced by G.
Molecular consequence: intron variant.
Genome position (GRCh38, 1-based): chr7:92,079,074, A>G. VCF-style: chr7-92079074-A-G. GRCh37 (hg19) VCF-style: chr7-91708388-A-G.
Other names: c.6922-5A>G (NM_147185.3); c.1591-5A>G (NM_001379277.1).
Identifiers: ClinVar variation 1756273 (VCV001756273.5), dbSNP rs1446704941, ClinGen allele CA576705702.
Genomic context (GRCh38, chr7:92,079,074, plus strand): 5'-AAGTAAAATTTTCAAAATGTAAATACATATATATTATGTATGTTACCTTTTTCATTAATT[A>G]TTAGGTTATTGAAGAAAAAAATGAACTGATAAGGGATCTTGAAACCCAAATAGAATGTTT-3'